The following is an entry in ClinVar:

NM_144670.6(A2ML1):c.2084G>A (p.Ser695Asn)

Gene: A2ML1 (alpha-2-macroglobulin like 1; plus strand). Cytogenetic location: 12p13.31.
Variant type: single nucleotide variant.
Coding change: c.2084G>A on transcript NM_144670.6 (MANE Select); coding-DNA position 2084, G replaced by A.
Protein change: p.Ser695Asn; replaces serine 695 with asparagine.
Molecular consequence: missense variant.
Genome position (GRCh38, 1-based): chr12:8,849,724, G>A. VCF-style: chr12-8849724-G-A. GRCh37 (hg19) VCF-style: chr12-9002320-G-A.
Other names: c.611G>A, p.Ser204Asn (NM_001282424.3); short protein forms S204N, S695N.
Identifiers: ClinVar variation 2896137 (VCV002896137.3), dbSNP rs2539249301, ClinGen allele CA383831907.

ClinVar aggregate classification (germline): Uncertain significance (1 of 4 stars; one submission).

Submission:

Labcorp Genetics (formerly Invitae), Labcorp
Classification: Uncertain significance. Last evaluated: 2023-09-27. Review status: criteria provided, single submitter. Criteria: Invitae Variant Classification Sherloc (09022015). Collection method: clinical testing. Allele origin: germline.
Comment: In summary, the available evidence is currently insufficient to determine the role of this variant in disease. Therefore, it has been classified as a Variant of Uncertain Significance. Algorithms developed to predict the effect of missense changes on protein structure and function output the following: SIFT: "Not Available"; PolyPhen-2: "Benign"; Align-GVGD: "Not Available". The asparagine amino acid residue is found in multiple mammalian species, which suggests that this missense change does not adversely affect protein function. This variant has not been reported in the literature in individuals affected with A2ML1-related conditions. This variant is not present in population databases (gnomAD no frequency). This sequence change replaces serine, which is neutral and polar, with asparagine, which is neutral and polar, at codon 695 of the A2ML1 protein (p.Ser695Asn).